The following is an entry in ClinVar:

NM_000268.4(NF2):c.241-1G>C

Gene: NF2 (NF2, moesin-ezrin-radixin like (MERLIN) tumor suppressor; plus strand). Cytogenetic location: 22q12.2.
Variant type: single nucleotide variant.
Coding change: c.241-1G>C on transcript NM_000268.4 (MANE Select); the canonical splice acceptor site of the intron before coding-DNA position 241, G replaced by C.
Molecular consequence: splice acceptor variant. On other transcripts: intron variant (8).
Genome position (GRCh38, 1-based): chr22:29,639,089, G>C. VCF-style: chr22-29639089-G-C. GRCh37 (hg19) VCF-style: chr22-30035078-G-C.
Other names: c.240+2213G>C (NM_181829.3, NM_001407054.1, NM_001407062.1 and 1 more transcripts); c.115-1G>C (NM_181828.3, NM_001407055.1); c.115-3113G>C (NM_001407063.1, NM_181830.3, NM_001407064.1 and 1 more transcripts); c.241-1G>C (NM_001407066.1, NM_181825.3, NM_181832.3 and 5 more transcripts); c.127-1G>C (NM_001407053.1, NM_001407056.1); c.10-1G>C (NM_001407067.1); c.-400-1G>C (NM_001407065.1).
Identifiers: ClinVar variation 3381944 (VCV003381944.2).

ClinVar aggregate classification (germline): Likely pathogenic (1 of 4 stars; one submission).

Conditions:
Neurofibromatosis, type 2 (SWNV). Also called: NF2-Related Schwannomatosis; BILATERAL ACOUSTIC NEUROFIBROMATOSIS; SCHWANNOMATOSIS, VESTIBULAR. Identifiers: Orphanet 637, MedGen C0027832, MONDO:0007039, OMIM 101000. Disease mechanism: loss of function.

Submission:

Juno Genomics, Hangzhou Juno Genomics, Inc
Classification: Likely pathogenic for Neurofibromatosis, type 2. Review status: criteria provided, single submitter. Criteria: ACMG Guidelines, 2015. Collection method: clinical testing. Allele origin: germline. Affected: yes.
Comment: Absent from controls (or at extremely low frequency if recessive) in Genome Aggregation Database, Exome Sequencing Project, 1000 Genomes Project, or Exome Aggregation Consortium.;Null variant in a gene where loss of function (LOF) is a known mechanism of disease.;Assumed de novo, but without confirmation of paternity and maternity.